The following is an entry in ClinVar:

NM_017934.7(PHIP):c.3782+10C>G

Genes: IRAK1BP1 (interleukin 1 receptor associated kinase 1 binding protein 1; plus strand), PHIP (PHIP subunit of CUL4-Ring ligase complex; minus strand). Cytogenetic location: 6q14.1.
Variant type: single nucleotide variant.
Coding change: c.3782+10C>G on transcript NM_017934.7 (MANE Select); 10 bases into the intron after coding-DNA position 3782, C replaced by G.
Molecular consequence: intron variant.
Genome position (GRCh38, 1-based): chr6:78,958,465, G>C on the plus strand (C>G on the coding strand, the complement: PHIP is on the minus strand). VCF-style: chr6-78958465-G-C. GRCh37 (hg19) VCF-style: chr6-79668182-G-C.
Identifiers: ClinVar variation 3349828 (VCV003349828.1).

ClinVar aggregate classification (germline): Likely benign (0 of 4 stars; one submission).

Conditions:
PHIP-related disorder. Also called: PHIP-related condition; PHIP-related disorders.

Submission:

PreventionGenetics, part of Exact Sciences
Classification: Likely benign for PHIP-related condition. Last evaluated: 2024-01-16. Review status: no assertion criteria provided. Collection method: clinical testing. Allele origin: germline.
Comment: This variant is classified as likely benign based on ACMG/AMP sequence variant interpretation guidelines (Richards et al. 2015 PMID: 25741868, with internal and published modifications).